The following is an entry in ClinVar:

NM_001378414.1(HDAC4):c.1835_1840delinsTCCACCAGCTG (p.Asn612fs)

Gene: HDAC4 (histone deacetylase 4; minus strand). Cytogenetic location: 2q37.3.
Variant type: Indel.
Coding change: c.1835_1840delinsTCCACCAGCTG on transcript NM_001378414.1 (MANE Select); coding-DNA positions 1835 to 1840, ACTACC replaced by TCCACCAGCTG.
Protein change: p.Asn612fs; shifts the reading frame from asparagine 612.
Molecular consequence: frameshift variant.
Genome position (GRCh38, 1-based): chr2:239,111,664-239,111,669, GGTAGT replaced by CAGCTGGTGGA on the plus strand (ACTACC replaced by TCCACCAGCTG on the coding strand, the reverse complement: HDAC4 is on the minus strand). VCF-style: chr2-239111664-GGTAGT-CAGCTGGTGGA. GRCh37 (hg19) VCF-style: chr2-240033360-GGTAGT-CAGCTGGTGGA.
Other names: c.1835_1840delinsTCCACCAGCTG, p.Asn612fs (NM_001378415.1); c.1820_1825delinsTCCACCAGCTG, p.Asn607fs (NM_001378416.1, NM_001378417.1, NM_006037.4); short protein forms N607fs, N612fs.
Identifiers: ClinVar variation 1199489 (VCV001199489.3), dbSNP rs2152799718, ClinGen allele CA2499215803.
Genomic context (GRCh38, chr2:239,111,664, plus strand): 5'-GGGACAGAGGCCTGTGGCCGCCGAAGGACACGGGGATGCCGGCGGCCTCCATGGACGCCT[GGTAGT>CAGCTGGTGGA]TCCTCAGCTGGTGGATCCGCTGCTGCTCCAGCAGGAGGGCTTGCTGCGGGGAAGAAACGG-3'

ClinVar aggregate classification (germline): Likely pathogenic (1 of 4 stars; one submission).

Submission:

GeneDx
Classification: Likely pathogenic. Last evaluated: 2019-04-03. Review status: criteria provided, single submitter. Criteria: GeneDx Variant Classification Process June 2021. Collection method: clinical testing. Allele origin: germline. Affected: yes.
Comment: Frameshift variant predicted to result in protein truncation or nonsense mediated decay in a gene for which loss-of-function is a known mechanism of disease; Not observed in large population cohorts (Lek et al., 2016); Has not been previously published as pathogenic or benign to our knowledge